The following is an entry in ClinVar:

ClinVar aggregate classification (germline): Uncertain significance (1 of 4 stars; one submission).

Conditions:
Neurofibromatosis, type 2 (SWNV). Also called: BILATERAL ACOUSTIC NEUROFIBROMATOSIS; NF2-Related Schwannomatosis; SCHWANNOMATOSIS, VESTIBULAR. Identifiers: Orphanet 637, MedGen C0027832, MONDO:0007039, OMIM 101000. Disease mechanism: loss of function.

Submission:

Labcorp Genetics (formerly Invitae), Labcorp
Classification: Uncertain significance for Neurofibromatosis, type 2. Last evaluated: 2023-05-26. Review status: criteria provided, single submitter. Criteria: Invitae Variant Classification Sherloc (09022015). Collection method: clinical testing. Allele origin: germline.
Comment: In summary, the available evidence is currently insufficient to determine the role of this variant in disease. Therefore, it has been classified as a Variant of Uncertain Significance. Advanced modeling of protein sequence and biophysical properties (such as structural, functional, and spatial information, amino acid conservation, physicochemical variation, residue mobility, and thermodynamic stability) performed at Invitae indicates that this missense variant is not expected to disrupt NF2 protein function. ClinVar contains an entry for this variant (Variation ID: 1397729). This variant has not been reported in the literature in individuals affected with NF2-related conditions. This variant is not present in population databases (gnomAD no frequency). This sequence change replaces leucine, which is neutral and non-polar, with serine, which is neutral and polar, at codon 49 of the NF2 protein (p.Leu49Ser).

NM_000268.4(NF2):c.146T>C (p.Leu49Ser)

Gene: NF2 (NF2, moesin-ezrin-radixin like (MERLIN) tumor suppressor; plus strand). Cytogenetic location: 22q12.2.
Variant type: single nucleotide variant.
Coding change: c.146T>C on transcript NM_000268.4 (MANE Select); coding-DNA position 146, T replaced by C.
Protein change: p.Leu49Ser; replaces leucine 49 with serine.
Molecular consequence: missense variant. On other transcripts: non-coding transcript variant (1), intron variant (3).
Genome position (GRCh38, 1-based): chr22:29,636,782, T>C. VCF-style: chr22-29636782-T-C. GRCh37 (hg19) VCF-style: chr22-30032771-T-C.
Other names: c.146T>C, p.Leu49Ser (NM_016418.5, NM_181825.3, NM_181829.3 and 2 more transcripts); c.115-2308T>C (NM_181828.3); c.115-5420T>C (NM_181830.3, NM_181831.3); short protein forms L49S.
Identifiers: ClinVar variation 1397729 (VCV001397729.8), dbSNP rs2146852259, ClinGen allele CA411152482.
Genomic context (GRCh38, chr22:29,636,782, plus strand): 5'-TGTCCTTCCCCATTGGTTTGTTATTGCAGATGAAGTGGAAAGGGAAGGACCTCTTTGATT[T>C]GGTGTGCCGGACTCTGGGGCTCCGAGAAACCTGGTTCTTTGGACTGCAGTACACAATCAA-3'
Protein context (NP_000259.1, residues 39-59): MKWKGKDLFD[Leu49Ser]VCRTLGLRET